The following is an entry in ClinVar:

NM_001386140.1(MTTP):c.2191C>G (p.Leu731Val)

Gene: MTTP (microsomal triglyceride transfer protein; plus strand). Cytogenetic location: 4q23.
Variant type: single nucleotide variant.
Coding change: c.2191C>G on transcript NM_001386140.1 (MANE Select); coding-DNA position 2191, C replaced by G.
Protein change: p.Leu731Val; replaces leucine 731 with valine.
Molecular consequence: missense variant.
Genome position (GRCh38, 1-based): chr4:99,613,114, C>G. VCF-style: chr4-99613114-C-G. GRCh37 (hg19) VCF-style: chr4-100534271-C-G.
Other names: c.2191C>G, p.Leu731Val (NM_000253.4); c.1942C>G, p.Leu648Val (NM_001300785.2); short protein forms L648V, L731V.
Identifiers: ClinVar variation 1037429 (VCV001037429.5), dbSNP rs1726003945, ClinGen allele CA357517333.

ClinVar aggregate classification (germline): Uncertain significance (1 of 4 stars; one submission).

Submission:

Labcorp Genetics (formerly Invitae), Labcorp
Classification: Uncertain significance. Last evaluated: 2022-02-03. Review status: criteria provided, single submitter. Criteria: Invitae Variant Classification Sherloc (09022015). Collection method: clinical testing. Allele origin: germline.
Comment: This sequence change replaces leucine, which is neutral and non-polar, with valine, which is neutral and non-polar, at codon 731 of the MTTP protein (p.Leu731Val). This variant is not present in population databases (gnomAD no frequency). In summary, the available evidence is currently insufficient to determine the role of this variant in disease. Therefore, it has been classified as a Variant of Uncertain Significance. Algorithms developed to predict the effect of missense changes on protein structure and function are either unavailable or do not agree on the potential impact of this missense change (SIFT: "Tolerated"; PolyPhen-2: "Possibly Damaging"; Align-GVGD: "Class C0"). ClinVar contains an entry for this variant (Variation ID: 1037429). This variant has not been reported in the literature in individuals affected with MTTP-related conditions.